The following is an entry in ClinVar:

ClinVar aggregate classification (germline): Benign/Likely benign. Review status: criteria provided, multiple submitters, no conflicts (2 of 4 stars). 10 submissions from 10 submitters: Benign (1); Likely benign (8). 1 of the submissions does not count toward it. Last evaluated 2026-04-01.

Conditions:
Cardiovascular phenotype. Identifiers: MedGen CN230736.
ZNF469-related disorder. Also called: ZNF469-related condition.
Ehlers-Danlos syndrome (EDS). Identifiers: Orphanet 98249, MedGen C0013720, MONDO:0020066.
Brittle cornea syndrome 1 (BCS1). Also called: CORNEAL FRAGILITY, KERATOGLOBUS, BLUE SCLERAE, JOINT HYPEREXTENSIBILITY; EDS6B; DYSGENESIS MESODERMALIS CORNEAE ET SCLERAE; FRAGILITAS OCULI WITH JOINT HYPEREXTENSIBILITY; Corneal fragility keratoglobus, blue sclerae AND joint hypermobility. Identifiers: Orphanet 90354, MedGen C0268344, MONDO:0024543, OMIM 229200.

Allele frequency attached by ClinVar (database versions not stated): 1000 Genomes Project 0.00140; ExAC 0.00168; 1000 Genomes Project 30x 0.00187; gnomAD exomes 0.00188 and 0.00251; TOPMed 0.00237.
gnomAD v4.1: 3,844 of 1,550,334 alleles (0.25%); highest among the groups gnomAD compares: Admixed American, 0.32%; 12 homozygotes.

Submissions (10):

CeGaT Center for Human Genetics Tuebingen
Classification: Likely benign. Last evaluated: 2026-04-01. Review status: criteria provided, single submitter. Criteria: CeGaT Center For Human Genetics Tuebingen Variant Classification Criteria Version 2. Collection method: clinical testing. Allele origin: germline. Affected: yes. Observed: 15 variant alleles.
Comment: ZNF469: BP4, BS2

Women's Health and Genetics/Laboratory Corporation of America, LabCorp
Classification: Likely benign. Last evaluated: 2026-03-10. Review status: criteria provided, single submitter. Criteria: LabCorp Variant Classification Summary - May 2015. Collection method: clinical testing. Allele origin: germline.
Comment: Variant summary: ZNF469 c.7079C>T (p.Pro2360Leu) results in a non-conservative amino acid change in the encoded protein sequence. Three of four in-silico tools predict a benign effect of the variant on protein function. The variant allele was found at a frequency of 0.0019 in 151402 control chromosomes, predominantly at a frequency of 0.0029 within the Non-Finnish European subpopulation in the gnomAD database. The observed variant frequency within Non-Finnish European control individuals in the gnomAD database exceeds the estimated maximal expected allele frequency for a pathogenic variant in ZNF469 causing Brittle cornea syndrome 1 phenotype. c.7079C>T has been reported in the literature in individuals with inherited eye diseases without evidence for causality (Lucas_2017 and Li_2021). These report(s) do not provide unequivocal conclusions about association of the variant with Brittle cornea syndrome 1. To our knowledge, no experimental evidence demonstrating an impact on protein function has been reported. The following publications have been ascertained in the context of this evaluation (PMID: 33816482, 29228253). ClinVar contains an entry for this variant (Variation ID: 320964). Based on the evidence outlined above, the variant was classified as likely benign.

Labcorp Genetics (formerly Invitae), Labcorp
Classification: Likely benign. Last evaluated: 2026-02-03. Review status: criteria provided, single submitter. Criteria: Invitae Variant Classification Sherloc (09022015). Collection method: clinical testing. Allele origin: germline.

Blueprint Genetics
Classification: Likely benign. Last evaluated: 2024-11-25. Review status: criteria provided, single submitter. Criteria: ACMG Guidelines, 2015. Collection method: clinical testing. Allele origin: germline.

Mayo Clinic Laboratories, Mayo Clinic
Classification: Benign. Last evaluated: 2024-07-29. Review status: criteria provided, single submitter. Criteria: ACMG Guidelines, 2015. Collection method: clinical testing. Allele origin: germline. Observed: 24 variant alleles.
Comment: BS1, BS2, BP4

Ambry Genetics
Classification: Likely benign for Cardiovascular phenotype. Last evaluated: 2022-08-29. Review status: criteria provided, single submitter. Criteria: Ambry Variant Classification Scheme 2023. Collection method: clinical testing. Allele origin: germline.

Genome Diagnostics Laboratory, The Hospital for Sick Children
Classification: Likely benign for Ehlers-Danlos syndrome. Last evaluated: 2022-06-13. Review status: criteria provided, single submitter. Criteria: ACMG Guidelines, 2015. Collection method: clinical testing. Allele origin: germline.

Department of Pathology and Laboratory Medicine, Sinai Health System
Classification: Likely benign for Brittle cornea syndrome 1. Last evaluated: 2021-07-30. Review status: criteria provided, single submitter. Criteria: ACMG Guidelines, 2015. Collection method: research. Allele origin: germline.

GeneDx
Classification: Likely benign. Last evaluated: 2017-10-20. Review status: criteria provided, single submitter. Criteria: GeneDx Variant Classification (06012015). Collection method: clinical testing. Allele origin: germline. Affected: yes.
Comment: This variant is considered likely benign or benign based on one or more of the following criteria: it is a conservative change, it occurs at a poorly conserved position in the protein, it is predicted to be benign by multiple in silico algorithms, and/or has population frequency not consistent with disease.

PreventionGenetics, part of Exact Sciences
Classification: Likely benign for ZNF469-related condition. Last evaluated: 2022-07-10. Review status: no assertion criteria provided. Collection method: clinical testing. Allele origin: germline. Not counted in ClinVar's aggregate classification.
Comment: This variant is classified as likely benign based on ACMG/AMP sequence variant interpretation guidelines (Richards et al. 2015 PMID: 25741868, with internal and published modifications).

Literature cited by the submitters: PubMed 33816482 (cited by Women's Health and Genetics/Laboratory Corporation of America, LabCorp and Mayo Clinic Laboratories, Mayo Clinic); PubMed 29228253 (cited by 3 submitters).

NM_001367624.2(ZNF469):c.7079C>T (p.Pro2360Leu)

Gene: ZNF469 (zinc finger protein 469; plus strand). Cytogenetic location: 16q24.2.
Variant type: single nucleotide variant.
Coding change: c.7079C>T on transcript NM_001367624.2 (MANE Select); coding-DNA position 7079, C replaced by T.
Protein change: p.Pro2360Leu; replaces proline 2360 with leucine.
Molecular consequence: missense variant.
Genome position (GRCh38, 1-based): chr16:88,434,549, C>T. VCF-style: chr16-88434549-C-T. GRCh37 (hg19) VCF-style: chr16-88500957-C-T.
Other names: NM_001127464.1:c.6995C>T; NM_001127464.2:c.6995C>T; p.Pro2360Leu; short protein forms P2360L.
Identifiers: ClinVar variation 320964 (VCV000320964.58), dbSNP rs76389306, ClinGen allele CA8225212.
Genomic context (GRCh38, chr16:88,434,549, plus strand): 5'-GGGAGGGCCAGGCTGTCACAGCTGTGCCCACTGAGCCTCCCACGCTACAGGGTGCAGGGC[C>T]GGACTCCCCCGCCTGCCTGGAAGGTGAGATGGGGACCAGCAGCAAGGAGCCGGAGGACCC-3'
Protein context (NP_001354553.1, residues 2350-2370): TEPPTLQGAG[Pro2360Leu]DSPACLEGEM